The following is an entry in ClinVar:

ClinVar aggregate classification (germline): Likely benign (1 of 4 stars; one submission).

Submission:

CeGaT Center for Human Genetics Tuebingen
Classification: Likely benign. Last evaluated: 2022-09-01. Review status: criteria provided, single submitter. Criteria: CeGaT Center For Human Genetics Tuebingen Variant Classification Criteria Version 2. Collection method: clinical testing. Allele origin: germline. Affected: yes. Observed: 1 variant allele.
Comment: FAM120A2P: BP4, BP7

NR_166069.1(C9orf129):n.586C>T

Variant type: single nucleotide variant.
Molecular consequence: non-coding transcript variant (on NR_166069.1).
Genome position: GRCh38 VCF-style: chr9-93335406-G-A. GRCh37 (hg19) VCF-style: chr9-96097688-G-A.
Identifiers: ClinVar variation 2659311 (VCV002659311.23), dbSNP rs776278506, ClinGen allele CA5131167.